The following is an entry in ClinVar:

ClinVar aggregate classification (germline): Uncertain significance (0 of 4 stars; one submission).

Conditions:
PDZD2-related disorder. Also called: PDZD2-related condition.

Submission:

PreventionGenetics, part of Exact Sciences
Classification: Uncertain significance for PDZD2-related condition. Last evaluated: 2024-04-09. Review status: no assertion criteria provided. Collection method: clinical testing. Allele origin: germline.
Comment: The PDZD2 c.6994T>C variant is predicted to result in the amino acid substitution p.Phe2332Leu. To our knowledge, this variant has not been reported in the literature or in a large population database, indicating this variant is rare. At this time, the clinical significance of this variant is uncertain due to the absence of conclusive functional and genetic evidence.

NM_178140.4(PDZD2):c.6994T>C (p.Phe2332Leu)

Gene: PDZD2 (PDZ domain containing 2; plus strand). Cytogenetic location: 5p13.3.
Variant type: single nucleotide variant.
Coding change: c.6994T>C on transcript NM_178140.4 (MANE Select); coding-DNA position 6994, T replaced by C.
Protein change: p.Phe2332Leu; replaces phenylalanine 2332 with leucine.
Molecular consequence: missense variant.
Genome position (GRCh38, 1-based): chr5:32,090,442, T>C. VCF-style: chr5-32090442-T-C. GRCh37 (hg19) VCF-style: chr5-32090548-T-C.
Other names: short protein forms F2332L.
Identifiers: ClinVar variation 3345292 (VCV003345292.1).